The following is an entry in ClinVar:

ClinVar aggregate classification (germline): Pathogenic (1 of 4 stars; one submission).

Submission:

GeneDx
Classification: Pathogenic. Last evaluated: 2018-10-23. Review status: criteria provided, single submitter. Criteria: GeneDx Variant Classification (06012015). Collection method: clinical testing. Allele origin: germline. Affected: yes.
Comment: The c.60_61delAG variant in the LAMA1 gene has not been reported previously as a pathogenic variant nor as a benign variant, to our knowledge. The c.60_61delAG variant causes a frameshift starting with codon Glycine 21, changes this amino acid to a Proline residue, and creates a premature Stop codon at position 49 of the new reading frame, denoted p.Gly21ProfsX49. This variant is predicted to cause loss of normal protein function either through protein truncation or nonsense-mediated mRNA decay. The c.60_61delAG variant is not observed in large population cohorts (Lek et al., 2016). We interpret c.60_61delAG as a pathogenic variant.

NM_005559.4(LAMA1):c.60_61del (p.Gly21fs)

Gene: LAMA1 (laminin subunit alpha 1; minus strand). Cytogenetic location: 18p11.31.
Variant type: Microsatellite.
Coding change: c.60_61del on transcript NM_005559.4 (MANE Select); coding-DNA positions 60 to 61, 2 bases deleted (AG; older notation c.60_61delAG).
Protein change: p.Gly21fs; shifts the reading frame from glycine 21.
Molecular consequence: frameshift variant.
Genome position (GRCh38, 1-based): chr18:7,117,660-7,117,661, CT deleted on the plus strand (AG on the coding strand, the reverse complement: LAMA1 is on the minus strand); deleting any 2 consecutive bases within chr18:7,117,660-7,117,665 gives the same sequence; the c. name uses the placement nearest the transcript's 3' end. VCF-style (leftmost placement, unchanged base first): chr18-7117659-CCT-C. GRCh37 (hg19) VCF-style: chr18-7117658-CCT-C.
Other names: short protein forms G21fs.
Identifiers: ClinVar variation 817875 (VCV000817875.1), dbSNP rs1598328279, ClinGen allele CA915952439.